The following is an entry in ClinVar:

ClinVar aggregate classification (germline): Uncertain significance. Review status: criteria provided, multiple submitters, no conflicts (2 of 4 stars). 3 submissions from 3 submitters: Uncertain significance (2). 1 of the submissions does not count toward it. Last evaluated 2026-06-24.

Conditions:
Hereditary cancer-predisposing syndrome. Also called: Neoplastic Syndromes, Hereditary; Hereditary neoplastic syndrome; Hereditary Cancer Syndrome; Tumor predisposition. Identifiers: Orphanet 140162, MedGen C0027672, MeSH D009386, MONDO:0015356.
Familial adenomatous polyposis 1 (FAP1). Also called: FAMILIAL ADENOMATOUS POLYPOSIS 1, ATTENUATED; POLYPOSIS, ADENOMATOUS INTESTINAL. Identifiers: MedGen C2713442, MONDO:0021056, OMIM 175100. Disease mechanism: loss of function.
Familial colorectal cancer. Identifiers: MedGen CN280943, MONDO:0023113. Disease mechanism: loss of function.

gnomAD v4.1: 1 of 1,613,840 alleles (0.000062%); highest among the groups gnomAD compares: Non-Finnish European, 0.000085%; no homozygotes.

Submissions (3):

Ambry Genetics
Classification: Uncertain significance for Hereditary cancer-predisposing syndrome. Last evaluated: 2026-06-24. Review status: criteria provided, single submitter. Criteria: Ambry Variant Classification Scheme 2023. Collection method: clinical testing. Allele origin: germline.
Comment: The p.S2350F variant (also known as c.7049C>T), located in coding exon 15 of the APC gene, results from a C to T substitution at nucleotide position 7049. The serine at codon 2350 is replaced by phenylalanine, an amino acid with highly dissimilar properties. This amino acid position is conserved. In addition, in silico predictors for this gene do not accurately predict pathogenicity. Based on the available evidence, the clinical significance of this variant remains unclear.

Labcorp Genetics (formerly Invitae), Labcorp
Classification: Uncertain significance for Familial adenomatous polyposis 1. Last evaluated: 2024-09-10. Review status: criteria provided, single submitter. Criteria: Invitae Variant Classification Sherloc (09022015). Collection method: clinical testing. Allele origin: germline.
Comment: This sequence change replaces serine, which is neutral and polar, with phenylalanine, which is neutral and non-polar, at codon 2350 of the APC protein (p.Ser2350Phe). This variant is not present in population databases (gnomAD no frequency). This variant has not been reported in the literature in individuals affected with APC-related conditions. ClinVar contains an entry for this variant (Variation ID: 83247). Invitae Evidence Modeling of protein sequence and biophysical properties (such as structural, functional, and spatial information, amino acid conservation, physicochemical variation, residue mobility, and thermodynamic stability) indicates that this missense variant is not expected to disrupt APC protein function with a negative predictive value of 95%. In summary, the available evidence is currently insufficient to determine the role of this variant in disease. Therefore, it has been classified as a Variant of Uncertain Significance.

Systems Biology Platform Zhejiang California International NanoSystems Institute
Classification: other for Familial colorectal cancer. Review status: no assertion criteria provided. Collection method: not provided. Allele origin: unknown. Not counted in ClinVar's aggregate classification.
ClinVar note: Converted during submission from cancer to other.

NM_000038.6(APC):c.7049C>T (p.Ser2350Phe)

Gene: APC (APC regulator of Wnt signaling pathway; plus strand). Cytogenetic location: 5q22.2.
Variant type: single nucleotide variant.
Coding change: c.7049C>T on transcript NM_000038.6 (MANE Select); coding-DNA position 7049, C replaced by T.
Protein change: p.Ser2350Phe; replaces serine 2350 with phenylalanine.
Molecular consequence: missense variant.
Genome position (GRCh38, 1-based): chr5:112,842,643, C>T. VCF-style: chr5-112842643-C-T. GRCh37 (hg19) VCF-style: chr5-112178340-C-T.
Other names: c.7049C>T, p.Ser2350Phe (NM_001127510.3, NM_001354895.2); c.6995C>T, p.Ser2332Phe (NM_001127511.3); c.7103C>T, p.Ser2368Phe (NM_001354896.2); c.7079C>T, p.Ser2360Phe (NM_001354897.2); c.6974C>T, p.Ser2325Phe (NM_001354898.2); c.6965C>T, p.Ser2322Phe (NM_001354899.2); c.6926C>T, p.Ser2309Phe (NM_001354900.2); c.6872C>T, p.Ser2291Phe (NM_001354901.2); and 5 more; short protein forms S2332F, S2350F, S2067F, S2322F, S2190F, S2309F, S2325F, S2360F.
Identifiers: ClinVar variation 83247 (VCV000083247.12), dbSNP rs75207119, ClinGen allele CA012787.
Genomic context (GRCh38, chr5:112,842,643, plus strand): 5'-CCCCTGGTAGAAATGGAATAAGTCCTCCTAACAAATTATCTCAACTTCCAAGGACATCAT[C>T]CCCTAGTACTGCTTCAACTAAGTCCTCAGGTTCTGGAAAAATGTCATATACATCTCCAGG-3'
Protein context (NP_000029.2, residues 2340-2360): NKLSQLPRTS[Ser2350Phe]PSTASTKSSG